The following is an entry in ClinVar:

NM_001267550.2(TTN):c.30930G>T (p.Lys10310Asn)

Gene: TTN (titin; minus strand). Cytogenetic location: 2q31.2.
Variant type: single nucleotide variant.
Coding change: c.30930G>T on transcript NM_001267550.2 (MANE Select); coding-DNA position 30930, G replaced by T.
Protein change: p.Lys10310Asn; replaces lysine 10310 with asparagine.
Molecular consequence: missense variant. On other transcripts: intron variant (3).
Genome position (GRCh38, 1-based): chr2:178,696,142, C>A on the plus strand (G>T on the coding strand, the complement: TTN is on the minus strand). VCF-style: chr2-178696142-C-A. GRCh37 (hg19) VCF-style: chr2-179560869-C-A.
Other names: c.29979G>T, p.Lys9993Asn (NM_001256850.1); c.27198G>T, p.Lys9066Asn (NM_133378.4); c.13282+41940G>T (NM_003319.4); c.13858+41940G>T (NM_133437.4); c.13657+41940G>T (NM_133432.3); short protein forms K10310N, K9993N, K9066N.
Identifiers: ClinVar variation 515874 (VCV000515874.3), dbSNP rs879244158, ClinGen allele CA60992282.

ClinVar aggregate classification (germline): Conflicting classifications of pathogenicity. Review status: criteria provided, conflicting classifications (1 of 4 stars). 3 submissions from 3 submitters: Uncertain significance (2); Likely benign (1). Last evaluated 2026-02-09.

Conditions:
TTN-related disorder. Also called: TTN-related condition; TTN-related disease; TTN-related disorders.

Allele frequency attached by ClinVar (database versions not stated): gnomAD exomes below 0.00001 and 0.00001; TOPMed below 0.00001.
gnomAD v4.1: 1 of 1,553,254 alleles (0.000064%); highest among the groups gnomAD compares: African/African-American, 0.0014%; no homozygotes.

Submissions (3):

Women's Health and Genetics/Laboratory Corporation of America, LabCorp
Classification: Uncertain significance. Last evaluated: 2026-02-09. Review status: criteria provided, single submitter. Criteria: LabCorp Variant Classification Summary - May 2015. Collection method: clinical testing. Allele origin: germline.
Comment: Variant summary: TTN c.27198G>T (p.Lys9066Asn) results in a non-conservative amino acid change in the encoded protein sequence. Algorithms developed to predict the effect of missense changes on protein structure and function are either unavailable or do not agree on the potential impact of this missense change. The variant allele was found at a frequency of 6.2e-06 in 161804 control chromosomes. The available data on variant occurrences in the general population are insufficient to allow any conclusion about variant significance. To our knowledge, no occurrence of c.27198G>T in individuals affected with TTN-related conditions and no experimental evidence demonstrating its impact on protein function have been reported. ClinVar contains an entry for this variant (Variation ID: 515874). Based on the evidence outlined above, the variant was classified as uncertain significance.

PreventionGenetics, part of Exact Sciences
Classification: Uncertain significance for TTN-related condition. Last evaluated: 2026-02-03. Review status: criteria provided, single submitter. Criteria: ACMG Guidelines, 2015. Collection method: clinical testing. Allele origin: germline.
Comment: The TTN c.30930G>T variant is predicted to result in the amino acid substitution p.Lys10310Asn. To our knowledge, this variant has not been reported in the literature. This variant is reported in 0.012% of alleles in individuals of African descent in gnomAD. At this time, the clinical significance of this variant is uncertain due to the absence of conclusive functional and genetic evidence.

GeneDx
Classification: Likely benign. Last evaluated: 2018-03-07. Review status: criteria provided, single submitter. Criteria: GeneDx Variant Classification (06012015). Collection method: clinical testing. Allele origin: germline. Affected: yes.
Comment: This variant is considered likely benign or benign based on one or more of the following criteria: it is a conservative change, it occurs at a poorly conserved position in the protein, it is predicted to be benign by multiple in silico algorithms, and/or has population frequency not consistent with disease.